The following is an entry in ClinVar:

Conditions:
Breast-ovarian cancer, familial, susceptibility to, 1 (BROVCA1). Also called: BRCA1 Hereditary Breast and Ovarian Cancer; OVARIAN CANCER, SUSCEPTIBILITY TO. Identifiers: Orphanet 145, MedGen C2676676, MONDO:0011450, OMIM 604370. Disease mechanism: loss of function.

Submission:

Brotman Baty Institute, University of Washington
No classification provided (evidence only). Condition: Breast-ovarian cancer, familial 1. Review status: no classification provided. Collection method: in vitro. Allele origin: not applicable. Functional consequence: functionally_normal.
ClinVar note: "not provided" was previously submitted as the classification for the variant. However, the classification appeared to be based only on an observation of functional data so it was converted to no classification on 2025-07-30.

NM_007294.4(BRCA1):c.4972A>T (p.Thr1658Ser)

Gene: BRCA1 (BRCA1 DNA repair associated; minus strand). Cytogenetic location: 17q21.31.
Variant type: single nucleotide variant.
Coding change: c.4972A>T on transcript NM_007294.4 (MANE Select); coding-DNA position 4972, A replaced by T.
Protein change: p.Thr1658Ser; replaces threonine 1658 with serine.
Molecular consequence: missense variant. On other transcripts: non-coding transcript variant (1).
Genome position (GRCh38, 1-based): chr17:43,070,942, T>A on the plus strand (A>T on the coding strand, the complement: BRCA1 is on the minus strand). VCF-style: chr17-43070942-T-A. GRCh37 (hg19) VCF-style: chr17-41222959-T-A.
Other names: c.4759A>T, p.Thr1587Ser (NM_001407571.1, NM_001407906.1, NM_001407907.1 and 12 more transcripts); c.5038A>T, p.Thr1680Ser (NM_001407581.1, NM_001407582.1); c.5035A>T, p.Thr1679Ser (NM_001407583.1, NM_001407585.1, NM_001407587.1 and 1 more transcripts); c.5032A>T, p.Thr1678Ser (NM_001407590.1, NM_001407591.1); c.4972A>T, p.Thr1658Ser (NM_001407593.1, NM_001407594.1, NM_001407596.1 and 8 more transcripts); c.4969A>T, p.Thr1657Ser (NM_001407613.1, NM_001407614.1, NM_001407615.1 and 17 more transcripts); c.4966A>T, p.Thr1656Ser (NM_001407632.1, NM_001407633.1, NM_001407634.1 and 14 more transcripts); c.4894A>T, p.Thr1632Ser (NM_001407654.1, NM_001407655.1, NM_001407653.1); and 70 more; short protein forms T1658S, T1611S, T1679S, T554S, T1361S, T1504S, T1530S, T1546S.
Identifiers: ClinVar variation 865478 (VCV000865478.3), dbSNP rs2052358713, ClinGen allele CA10591582.